The following is an entry in ClinVar:

NM_000936.4(PNLIP):c.691G>T (p.Gly231Trp)

Gene: PNLIP (pancreatic lipase; plus strand). Cytogenetic location: 10q25.3.
Variant type: single nucleotide variant.
Coding change: c.691G>T on transcript NM_000936.4 (MANE Select); coding-DNA position 691, G replaced by T.
Protein change: p.Gly231Trp; replaces glycine 231 with tryptophan.
Molecular consequence: missense variant.
Genome position (GRCh38, 1-based): chr10:116,555,297, G>T. VCF-style: chr10-116555297-G-T. GRCh37 (hg19) VCF-style: chr10-118314809-G-T.
Other names: short protein forms G231W.
Identifiers: ClinVar variation 4717303 (VCV004717303.1).
Genomic context (GRCh38, chr10:116,555,297, plus strand): 5'-AGCGATGCCAAATTTGTGGATGTAATTCACACGGATGGTGCCCCCATAGTCCCCAATTTG[G>T]GTGAGTTCCTCAACCCGTCCCCCAAAGGGTGTTATAGTGTCTGAGTCTATATACATTAGC-3'
Protein context (NP_000927.1, residues 221-241): TDGAPIVPNL[Gly231Trp]FGMSQVVGHL

ClinVar aggregate classification (germline): Conflicting classifications of pathogenicity. Review status: criteria provided, conflicting classifications (1 of 4 stars). 2 submissions from 2 submitters: Likely pathogenic (1); Uncertain significance (1). Last evaluated 2025-10-21.

Conditions:
Pancreatic triacylglycerol lipase deficiency. Also called: LIPASE, CONGENITAL ABSENCE OF PANCREATIC; PL DEFICIENCY. Identifiers: Orphanet 309031, MedGen C3280527, MONDO:0013700, OMIM 614338.

gnomAD v4.1: 1 of 1,614,104 alleles (0.000062%); highest among the groups gnomAD compares: Non-Finnish European, 0.000085%; no homozygotes.

Submissions (2):

Labcorp Genetics (formerly Invitae), Labcorp
Classification: Uncertain significance. Last evaluated: 2025-10-21. Review status: criteria provided, single submitter. Criteria: Invitae Variant Classification Sherloc (09022015). Collection method: clinical testing. Allele origin: germline.
Comment: This sequence change replaces glycine, which is neutral and non-polar, with tryptophan, which is neutral and slightly polar, at codon 231 of the PNLIP protein (p.Gly231Trp). This variant also falls at the last nucleotide of exon 7, which is part of the consensus splice site for this exon. This variant is present in population databases (rs759021350, gnomAD 0.0009%). This missense change has been observed in individual(s) with pancreatic lipase deficiency (Internal data). An algorithm developed to predict the effect of missense changes on protein structure and function (PolyPhen-2) suggests that this variant is likely to be disruptive. Variants that disrupt the consensus splice site are a relatively common cause of aberrant splicing (PMID: 17576681, 9536098). In summary, the available evidence is currently insufficient to determine the role of this variant in disease. Therefore, it has been classified as a Variant of Uncertain Significance.

Variantyx, Inc.
Classification: Likely pathogenic for Pancreatic triacylglycerol lipase deficiency. Last evaluated: 2025-08-04. Review status: criteria provided, single submitter. Criteria: Variantyx Assertion Criteria 2022. Collection method: clinical testing. Allele origin: germline. Inheritance: Autosomal recessive inheritance. Affected: yes.
Comment: This is a nonsynonymous variant in the PNLIP gene (OMIM: 246600). Pathogenic variants in this gene have been associated with autosomal recessive Pancreatic lipase deficiency (provisional association). The clinical symptoms reported for this individual are highly specific for autosomal recessive pancreatic lipase deficiency (provisional association), which has a limited genetic etiology (PMID:34373204, 37926600) (PP4). This variant lies within a known hotspot for pathogenic variants or a well-established critical functional domain of the PNLIP protein (PMID: 34373204) (PM1) and multiple computational algorithms predict a deleterious effect for this variant (REVEL score: 0.911) (PP3). This variant has a 0.0003% maximum allele frequency in non-founder control populations (PM2). Based on the current evidence, this variant is classified as likely pathogenic for autosomal recessive pancreatic lipase deficiency (provisional association) .

Literature cited by the submitters: PubMed 17576681 (cited by Labcorp Genetics (formerly Invitae), Labcorp); PubMed 9536098 (cited by Labcorp Genetics (formerly Invitae), Labcorp); PubMed 34373204 (cited by Variantyx, Inc.).